The following is an entry in ClinVar:

NM_002890.3(RASA1):c.1310T>G (p.Leu437Arg)

Genes: CCNH (cyclin H; minus strand), RASA1 (RAS p21 protein activator 1; plus strand). Cytogenetic location: 5q14.3.
Variant type: single nucleotide variant.
Coding change: c.1310T>G on transcript NM_002890.3 (MANE Select); coding-DNA position 1310, T replaced by G.
Protein change: p.Leu437Arg; replaces leucine 437 with arginine.
Molecular consequence: missense variant. On other transcripts: intron variant (1).
Genome position (GRCh38, 1-based): chr5:87,353,213, T>G. VCF-style: chr5-87353213-T-G. GRCh37 (hg19) VCF-style: chr5-86649030-T-G.
Other names: c.779T>G, p.Leu260Arg (NM_022650.3); c.934-40418A>C (NM_001364075.2); short protein forms L260R, L437R.
Identifiers: ClinVar variation 3720628 (VCV003720628.2).
Genomic context (GRCh38, chr5:87,353,213, plus strand): 5'-ACAGCATTGGGGACATCATAGATCACTATCGAAAAGAACAGATTGTTGAAGGATATTATC[T>G]TAAGGAACCTGTACCAATGCAGGTCAGTGTTGCATTTCTTATTGCAATAATTAGCATTTT-3'
Protein context (NP_002881.1, residues 427-447): RKEQIVEGYY[Leu437Arg]KEPVPMQDQE

ClinVar aggregate classification (germline): Uncertain significance (1 of 4 stars; one submission).

Conditions:
Capillary malformation-arteriovenous malformation syndrome. Also called: Capillary malformation-arteriovenous malformation. Identifiers: Orphanet 137667, MedGen C1842180, MONDO:0012016.

Submission:

Labcorp Genetics (formerly Invitae), Labcorp
Classification: Uncertain significance for Capillary malformation-arteriovenous malformation syndrome. Last evaluated: 2024-04-24. Review status: criteria provided, single submitter. Criteria: Invitae Variant Classification Sherloc (09022015). Collection method: clinical testing. Allele origin: germline.
Comment: This sequence change replaces leucine, which is neutral and non-polar, with arginine, which is basic and polar, at codon 437 of the RASA1 protein (p.Leu437Arg). This variant is not present in population databases (gnomAD no frequency). This missense change has been observed in individual(s) with multifocal capillary malformations and epistaxis (PMID: 22200646). An algorithm developed to predict the effect of missense changes on protein structure and function (PolyPhen-2) suggests that this variant is likely to be disruptive. In summary, the available evidence is currently insufficient to determine the role of this variant in disease. Therefore, it has been classified as a Variant of Uncertain Significance.

Literature cited by the submitters: PubMed 22200646.